The following is an entry in ClinVar:

NM_000051.4(ATM):c.516_517delinsG (p.Phe172fs)

Gene: ATM (ATM serine/threonine kinase; plus strand). Cytogenetic location: 11q22.3.
Variant type: Indel.
Coding change: c.516_517delinsG on transcript NM_000051.4 (MANE Select); coding-DNA positions 516 to 517, CA replaced by G.
Protein change: p.Phe172fs; shifts the reading frame from phenylalanine 172.
Molecular consequence: frameshift variant.
Genome position (GRCh38, 1-based): chr11:108,243,972-108,243,973, CA replaced by G. VCF-style: chr11-108243972-CA-G. GRCh37 (hg19) VCF-style: chr11-108114699-CA-G.
Other names: c.516_517delinsG, p.Phe172fs (NM_001351834.2); short protein forms F172fs.
Identifiers: ClinVar variation 1745722 (VCV001745722.2), dbSNP rs2497129132, ClinGen allele CA2580083119.

ClinVar aggregate classification (germline): Pathogenic (1 of 4 stars; one submission).

Conditions:
Hereditary cancer-predisposing syndrome. Also called: Hereditary Cancer Syndrome; Neoplastic Syndromes, Hereditary; Tumor predisposition; Hereditary neoplastic syndrome. Identifiers: Orphanet 140162, MedGen C0027672, MeSH D009386, MONDO:0015356.

Submission:

Ambry Genetics
Classification: Pathogenic for Hereditary cancer-predisposing syndrome. Last evaluated: 2020-12-11. Review status: criteria provided, single submitter. Criteria: Ambry Variant Classification Scheme 2023. Collection method: clinical testing. Allele origin: germline.
Comment: The c.516_517delCAinsG variant, located in coding exon 5 of the ATM gene, results from the deletion of two nucleotides and insertion of one nucleotide causing a translational frameshift with a predicted alternate stop codon (p.F172Lfs*5). This alteration is expected to result in loss of function by premature protein truncation or nonsense-mediated mRNA decay. As such, this alteration is interpreted as a disease-causing mutation.